The following is an entry in ClinVar:

ClinVar aggregate classification (germline): Likely benign. Review status: criteria provided, multiple submitters, no conflicts (2 of 4 stars). 2 submissions from 2 submitters: Likely benign (2). Last evaluated 2026-09-24.

Conditions:
LONP1-related disorder. Also called: LONP1-related condition; LONP1-related disorders.

Allele frequency attached by ClinVar (database versions not stated): gnomAD exomes 0.00002; ExAC 0.00003.
gnomAD v4.1: 27 of 1,613,170 alleles (0.0017%); highest among the groups gnomAD compares: Non-Finnish European, 0.002%; no homozygotes.

Submissions (2):

PreventionGenetics, part of Exact Sciences
Classification: Likely benign for LONP1-related condition. Last evaluated: 2026-09-24. Review status: criteria provided, single submitter. Criteria: ACMG Guidelines, 2015. Collection method: clinical testing. Allele origin: germline.
Comment: This variant is classified as likely benign based on ACMG/AMP sequence variant interpretation guidelines (Richards et al. 2015 PMID: 25741868, with internal and published modifications).

Labcorp Genetics (formerly Invitae), Labcorp
Classification: Likely benign. Last evaluated: 2025-03-20. Review status: criteria provided, single submitter. Criteria: Invitae Variant Classification Sherloc (09022015). Collection method: clinical testing. Allele origin: germline.

NM_004793.4(LONP1):c.1809G>A (p.Pro603=)

Gene: LONP1 (lon peptidase 1, mitochondrial; minus strand). Cytogenetic location: 19p13.3.
Variant type: single nucleotide variant.
Coding change: c.1809G>A on transcript NM_004793.4 (MANE Select); coding-DNA position 1809, G replaced by A.
Protein change: p.Pro603=; no amino-acid change (proline 603 retained).
Molecular consequence: synonymous variant. On other transcripts: non-coding transcript variant (1).
Genome position (GRCh38, 1-based): chr19:5,696,336, C>T on the plus strand (G>A on the coding strand, the complement: LONP1 is on the minus strand). VCF-style: chr19-5696336-C-T. GRCh37 (hg19) VCF-style: chr19-5696347-C-T.
Other names: c.1809G>A (NM_004793.3); c.1617G>A, p.Pro539= (NM_001276479.2); c.1221G>A, p.Pro407= (NM_001276480.1).
Identifiers: ClinVar variation 2889450 (VCV002889450.4), dbSNP rs779839529, ClinGen allele CA9114466.
Genomic context (GRCh38, chr19:5,696,336, plus strand): 5'-GTAGTGGTCCAGGAAGTTGGCATTCTGCTCTGGGTCCAGCAGCTCCAGCAGTGCCGACGA[C>T]GGGTCCCCCTGGTAGCCTCGGCCGATCTTGTCCACCTGGGGCAGCAGACAGCAGGTGGTG-3'
Protein context (NP_004784.2, residues 593-613): DKIGRGYQGD[Pro603=]SSALLELLDP